The following is an entry in ClinVar:

NM_001206927.2(DNAH8):c.11680G>A (p.Ala3894Thr)

Genes: DNAH8 (dynein axonemal heavy chain 8; plus strand), DNAH8-AS1 (DNAH8 antisense RNA 1; minus strand). Cytogenetic location: 6p21.2.
Variant type: single nucleotide variant.
Coding change: c.11680G>A on transcript NM_001206927.2 (MANE Select); coding-DNA position 11680, G replaced by A.
Protein change: p.Ala3894Thr; replaces alanine 3894 with threonine.
Molecular consequence: missense variant.
Genome position (GRCh38, 1-based): chr6:38,938,090, G>A. VCF-style: chr6-38938090-G-A. GRCh37 (hg19) VCF-style: chr6-38905866-G-A.
Other names: c.11029G>A, p.Ala3677Thr (NM_001371.4); short protein forms A3677T, A3894T.
Identifiers: ClinVar variation 4697364 (VCV004697364.1).

ClinVar aggregate classification (germline): Uncertain significance (1 of 4 stars; one submission).

Conditions:
Primary ciliary dyskinesia. Also called: Ciliary dyskinesia. Identifiers: Orphanet 244, MedGen C0008780, MONDO:0016575, HP:0012265.

gnomAD v4.1: 5 of 1,613,982 alleles (0.00031%); highest among the groups gnomAD compares: Non-Finnish European, 0.00042%; no homozygotes.

Submission:

Labcorp Genetics (formerly Invitae), Labcorp
Classification: Uncertain significance for Primary ciliary dyskinesia. Last evaluated: 2025-11-25. Review status: criteria provided, single submitter. Criteria: Invitae Variant Classification Sherloc (09022015). Collection method: clinical testing. Allele origin: germline.
Comment: This sequence change replaces alanine, which is neutral and non-polar, with threonine, which is neutral and polar, at codon 3894 of the DNAH8 protein (p.Ala3894Thr). This variant is not present in population databases (gnomAD no frequency). This variant has not been reported in the literature in individuals affected with DNAH8-related conditions. Invitae Evidence Modeling of protein sequence and biophysical properties (such as structural, functional, and spatial information, amino acid conservation, physicochemical variation, residue mobility, and thermodynamic stability) indicates that this missense variant is not expected to disrupt DNAH8 protein function with a negative predictive value of 80%. In summary, the available evidence is currently insufficient to determine the role of this variant in disease. Therefore, it has been classified as a Variant of Uncertain Significance.